The following is an entry in ClinVar:

ClinVar aggregate classification (germline): Likely pathogenic (1 of 4 stars; one submission).

Conditions:
Autosomal recessive Alport syndrome (ATS2). Also called: ALPORT SYNDROME 2, AUTOSOMAL RECESSIVE; Alport syndrome type 2; COL4A4 Alport Syndrome and Thin Basement Membrane Nephropathy; COL4A3-Related Nephropathy. Identifiers: Orphanet 63, Orphanet 88919, MedGen C4746745, MONDO:0008762, OMIM 203780.

Submission:

Myriad Genetics, Inc.
Classification: Likely pathogenic for Autosomal recessive Alport syndrome. Last evaluated: 2020-01-01. Review status: criteria provided, single submitter. Criteria: Myriad Women's Health Autosomal Recessive and X-Linked Classification Criteria (2019). Collection method: clinical testing. Allele origin: unknown.
Comment: NM_000091.4(COL4A3):c.1408G>T(G470*) is expected to be pathogenic in the context of COL4A3-related Alport syndrome. This variant is predicted to lead to an abnormal or absent protein product due to the creation of a premature termination codon in COL4A3, a gene where loss-of-function variants are known to be pathogenic. Please note: this variant was assessed in the context of healthy population screening.

NM_000091.5(COL4A3):c.1408G>T (p.Gly470Ter)

Genes: COL4A3 (collagen type IV alpha 3 chain; plus strand), MFF-DT (MFF divergent transcript; minus strand). Cytogenetic location: 2q36.3.
Variant type: single nucleotide variant.
Coding change: c.1408G>T on transcript NM_000091.5 (MANE Select); coding-DNA position 1408, G replaced by T.
Protein change: p.Gly470Ter; replaces glycine 470 with a stop codon.
Molecular consequence: nonsense.
Genome position (GRCh38, 1-based): chr2:227,266,509, G>T. VCF-style: chr2-227266509-G-T. GRCh37 (hg19) VCF-style: chr2-228131225-G-T.
Other names: short protein forms G470*.
Identifiers: ClinVar variation 984356 (VCV000984356.3), dbSNP rs2070901479, ClinGen allele CA350870225.
Genomic context (GRCh38, chr2:227,266,509, plus strand): 5'-GATCACGGACTGCCAGGCTATCTAGGGTCTCCAGGAATCCCAGGAGTTGATGGGCCCAAA[G>T]GTTGGTTCAATCAATAATGTTGTATTAGGATAAGCCTTTTTCATCGTCATTATTATCACT-3'